The following is an entry in ClinVar:

NM_018006.5(TRMU):c.25T>C (p.Cys9Arg)

Gene: TRMU (tRNA mitochondrial 2-thiouridylase; plus strand). Cytogenetic location: 22q13.31.
Variant type: single nucleotide variant.
Coding change: c.25T>C on transcript NM_018006.5 (MANE Select); coding-DNA position 25, T replaced by C.
Protein change: p.Cys9Arg; replaces cysteine 9 with arginine.
Molecular consequence: missense variant. On other transcripts: 5 prime UTR variant (3), non-coding transcript variant (2).
Genome position (GRCh38, 1-based): chr22:46,335,789, T>C. VCF-style: chr22-46335789-T-C. GRCh37 (hg19) VCF-style: chr22-46731686-T-C.
Other names: c.-211T>C (NM_001282782.2); c.-230T>C (NM_001282783.2, NM_001282784.2); c.25T>C, p.Cys9Arg (NM_001282785.2); short protein forms C9R.
Identifiers: ClinVar variation 5040183 (VCV005040183.1).

ClinVar aggregate classification (germline): Uncertain significance (1 of 4 stars; one submission).

Submission:

CeGaT Center for Human Genetics Tuebingen
Classification: Uncertain significance. Last evaluated: 2026-07-01. Review status: criteria provided, single submitter. Criteria: CeGaT Center For Human Genetics Tuebingen Variant Classification Criteria Version 2. Collection method: clinical testing. Allele origin: germline. Affected: yes. Observed: 1 variant allele.
Comment: TRMU: PM2